The following is an entry in ClinVar:

ClinVar aggregate classification (germline): Pathogenic (1 of 4 stars; one submission).

Conditions:
Inborn genetic diseases. Identifiers: MedGen C0950123, MeSH D030342.

Submission:

Ambry Genetics
Classification: Pathogenic for Inborn genetic diseases. Last evaluated: 2025-06-12. Review status: criteria provided, single submitter. Criteria: Ambry Variant Classification Scheme 2023. Collection method: clinical testing. Allele origin: germline.
Comment: The c.718-1G>A intronic variant results from a G to A substitution one nucleotide before coding exon 6 of the FBXO11 gene. Alterations that disrupt the canonical splice site are expected to cause aberrant splicing, resulting in an abnormal protein or a transcript that is subject to nonsense-mediated mRNA decay. This variant was not reported in population-based cohorts in the Genome Aggregation Database (gnomAD). This nucleotide position is highly conserved in available vertebrate species. In silico splice site analysis predicts that this alteration will weaken the native splice acceptor site and will result in the creation or strengthening of a novel splice acceptor site. Based on the available evidence, this alteration is classified as pathogenic.

NM_001190274.2(FBXO11):c.718-1G>A

Gene: FBXO11 (F-box protein 11; minus strand). Cytogenetic location: 2p16.3.
Variant type: single nucleotide variant.
Coding change: c.718-1G>A on transcript NM_001190274.2 (MANE Select); the canonical splice acceptor site of the intron before coding-DNA position 718, G replaced by A.
Molecular consequence: splice acceptor variant.
Genome position (GRCh38, 1-based): chr2:47,834,872, C>T on the plus strand (G>A on the coding strand, the complement: FBXO11 is on the minus strand). VCF-style: chr2-47834872-C-T. GRCh37 (hg19) VCF-style: chr2-48062011-C-T.
Other names: c.466-1G>A (NM_001374325.1, NM_025133.4).
Identifiers: ClinVar variation 4023711 (VCV004023711.1).